The following is an entry in ClinVar:

NM_004733.4(SLC33A1):c.1371T>C (p.Asn457=)

Gene: SLC33A1 (solute carrier family 33 member 1; minus strand). Cytogenetic location: 3q25.31.
Variant type: single nucleotide variant.
Coding change: c.1371T>C on transcript NM_004733.4 (MANE Select); coding-DNA position 1371, T replaced by C.
Protein change: p.Asn457=; no amino-acid change (asparagine 457 retained).
Molecular consequence: synonymous variant.
Genome position (GRCh38, 1-based): chr3:155,829,799, A>G on the plus strand (T>C on the coding strand, the complement: SLC33A1 is on the minus strand). VCF-style: chr3-155829799-A-G. GRCh37 (hg19) VCF-style: chr3-155547588-A-G.
Other names: c.1371T>C, p.Asn457= (NM_001190992.2); c.1065T>C, p.Asn355= (NM_001363883.1).
Identifiers: ClinVar variation 4281183 (VCV004281183.7).

ClinVar aggregate classification (germline): Likely benign (1 of 4 stars; one submission).

gnomAD v4.1: 41 of 1,613,838 alleles (0.0025%); highest among the groups gnomAD compares: Non-Finnish European, 0.0033%; no homozygotes.

Submission:

CeGaT Center for Human Genetics Tuebingen
Classification: Likely benign. Last evaluated: 2025-09-01. Review status: criteria provided, single submitter. Criteria: CeGaT Center For Human Genetics Tuebingen Variant Classification Criteria Version 2. Collection method: clinical testing. Allele origin: germline. Affected: yes. Observed: 1 variant allele.
Comment: SLC33A1: BP4, BP7